The following is an entry in ClinVar:

ClinVar aggregate classification (germline): Uncertain significance (1 of 4 stars; one submission).

Conditions:
Dilated cardiomyopathy 1G (CMD1G). Identifiers: Orphanet 154, MedGen C1858763, MONDO:0011400, OMIM 604145.
Autosomal recessive limb-girdle muscular dystrophy type 2J (LGMDR10). Also called: Limb-girdle muscular dystrophy, type 2J; MUSCULAR DYSTROPHY, LIMB-GIRDLE, AUTOSOMAL RECESSIVE 10. Identifiers: Orphanet 140922, MedGen C1837342, MONDO:0012127, OMIM 608807.

Allele frequency attached by ClinVar (database versions not stated): gnomAD exomes below 0.00001 and 0.00001; gnomAD 0.00001; TOPMed 0.00001; ExAC 0.00002.
gnomAD v4.1: 3 of 1,613,844 alleles (0.00019%); highest among the groups gnomAD compares: Admixed American, 0.0017%; no homozygotes.

Submission:

Labcorp Genetics (formerly Invitae), Labcorp
Classification: Uncertain significance for Dilated cardiomyopathy 1G; Autosomal recessive limb-girdle muscular dystrophy type 2J. Last evaluated: 2025-10-29. Review status: criteria provided, single submitter. Criteria: Invitae Variant Classification Sherloc (09022015). Collection method: clinical testing. Allele origin: germline.
Comment: This sequence change replaces threonine, which is neutral and polar, with isoleucine, which is neutral and non-polar, at codon 34445 of the TTN protein (p.Thr34445Ile). The frequency data for this variant in the population databases is considered unreliable, as metrics indicate poor data quality at this position in the gnomAD database. This variant has not been reported in the literature in individuals affected with TTN-related conditions. ClinVar contains an entry for this variant (Variation ID: 958468). Experimental studies and prediction algorithms are not available or were not evaluated, and the functional significance of this variant is currently unknown. This variant is located in the M band of TTN (PMID: 25589632). Non-truncating variants in this region may be relevant for neuromuscular disorders, but have not been definitively shown to cause cardiomyopathy (PMID: 23975875). In summary, the available evidence is currently insufficient to determine the role of this variant in disease. Therefore, it has been classified as a Variant of Uncertain Significance.

Literature cited by the submitters: PubMed 25589632; PubMed 23975875.

NM_001267550.2(TTN):c.103334C>T (p.Thr34445Ile)

Genes: TTN-AS1 (TTN antisense RNA 1; plus strand), TTN (titin; minus strand). Cytogenetic location: 2q31.2.
Variant type: single nucleotide variant.
Coding change: c.103334C>T on transcript NM_001267550.2 (MANE Select); coding-DNA position 103334, C replaced by T.
Protein change: p.Thr34445Ile; replaces threonine 34445 with isoleucine.
Molecular consequence: missense variant.
Genome position (GRCh38, 1-based): chr2:178,533,281, G>A on the plus strand (C>T on the coding strand, the complement: TTN is on the minus strand). VCF-style: chr2-178533281-G-A. GRCh37 (hg19) VCF-style: chr2-179398008-G-A.
Other names: c.98411C>T, p.Thr32804Ile (NM_001256850.1); c.76139C>T, p.Thr25380Ile (NM_003319.4); c.95630C>T, p.Thr31877Ile (NM_133378.4); c.76514C>T, p.Thr25505Ile (NM_133432.3); c.76715C>T, p.Thr25572Ile (NM_133437.4); short protein forms T25505I, T25572I, T31877I, T32804I, T34445I, T25380I.
Identifiers: ClinVar variation 958468 (VCV000958468.8), dbSNP rs778587344, ClinGen allele CA1985620.
Genomic context (GRCh38, chr2:178,533,281, plus strand): 5'-CTCTTGAATTCCTGTTTCTTGTACCTCAGGCGTTCCACTTGTAGGTGAGCCTGGCAGCTG[G>A]TGGACCCAGCTGTGTTAGTGGCTGTGACTCTATAATAACCCGTGTCTTCAGGCAAAGTGT-3'
Protein context (NP_001254479.2, residues 34435-34455): RVTATNTAGS[Thr34445Ile]SCQAHLQVER